The following is an entry in ClinVar:

ClinVar aggregate classification (germline): Likely benign (1 of 4 stars; one submission).

gnomAD v4.1: 23 of 1,603,196 alleles (0.0014%); highest among the groups gnomAD compares: African/African-American, 0.0067%; no homozygotes.

Submission:

CeGaT Center for Human Genetics Tuebingen
Classification: Likely benign. Last evaluated: 2025-06-01. Review status: criteria provided, single submitter. Criteria: CeGaT Center For Human Genetics Tuebingen Variant Classification Criteria Version 2. Collection method: clinical testing. Allele origin: germline. Affected: yes. Observed: 1 variant allele.
Comment: PSMB9: BP4, BP7

NM_002800.5(PSMB9):c.135G>A (p.Ala45=)

Gene: PSMB9 (proteasome 20S subunit beta 9; plus strand). Cytogenetic location: 6p21.32.
Variant type: single nucleotide variant.
Coding change: c.135G>A on transcript NM_002800.5 (MANE Select); coding-DNA position 135, G replaced by A.
Protein change: p.Ala45=; no amino-acid change (alanine 45 retained).
Molecular consequence: synonymous variant.
Genome position (GRCh38, 1-based): chr6:32,857,269, G>A. VCF-style: chr6-32857269-G-A. GRCh37 (hg19) VCF-style: chr6-32825046-G-A.
Identifiers: ClinVar variation 4084544 (VCV004084544.8).